The following is an entry in ClinVar:

ClinVar aggregate classification (germline): Likely benign (1 of 4 stars; one submission).

Conditions:
Retinitis pigmentosa (RP). Identifiers: Orphanet 791, MedGen C0035334, MeSH D012174, MONDO:0019200, OMIM 268000. Inheritance: Autosomal dominant, autosomal recessive and X linked inheritance.

Allele frequency attached by ClinVar (database versions not stated): gnomAD 0.00159 and 0.00172; 1000 Genomes Project 0.00180; TOPMed 0.00200; 1000 Genomes Project 30x 0.00203.
gnomAD v4.1: 436 of 1,467,824 alleles (0.03%); highest among the groups gnomAD compares: African/African-American, 0.55%; no homozygotes.

Submission:

Illumina Laboratory Services, Illumina
Classification: Likely benign for Retinitis pigmentosa. Last evaluated: 2018-01-12. Review status: criteria provided, single submitter. Criteria: ICSL Variant Classification Criteria 13 December 2019. Collection method: clinical testing. Allele origin: germline.
Comment: This variant was observed in the ICSL laboratory as part of a predisposition screen in an ostensibly healthy population. It had not been previously curated by ICSL or reported in the Human Gene Mutation Database (HGMD: prior to June 1st, 2018), and was therefore a candidate for classification through an automated scoring system. Utilizing variant allele frequency, disease prevalence and penetrance estimates, and inheritance mode, an automated score was calculated to assess if this variant is too frequent to cause the disease. Based on the score and internal cut-off values, a variant classified as likely benign is not then subjected to further curation. The score for this variant resulted in a classification of likely benign for this disease.

NM_012469.4(PRPF6):c.-78G>A

Gene: PRPF6 (pre-mRNA processing factor 6; plus strand). Cytogenetic location: 20q13.33.
Variant type: single nucleotide variant.
Coding change: c.-78G>A on transcript NM_012469.4 (MANE Select); 78 bases upstream of the start codon, G replaced by A.
Molecular consequence: 5 prime UTR variant.
Genome position (GRCh38, 1-based): chr20:63,981,168, G>A. VCF-style: chr20-63981168-G-A. GRCh37 (hg19) VCF-style: chr20-62612521-G-A.
Identifiers: ClinVar variation 339457 (VCV000339457.5), dbSNP rs189115287, ClinGen allele CA10653430.